The following is an entry in ClinVar:

ClinVar aggregate classification (germline): Uncertain significance (1 of 4 stars; one submission).

gnomAD v4.1: 3 of 1,442,348 alleles (0.00021%); highest among the groups gnomAD compares: Non-Finnish European, 0.00027%; no homozygotes.

Submission:

GeneDx
Classification: Uncertain significance. Last evaluated: 2026-03-07. Review status: criteria provided, single submitter. Criteria: GeneDx Variant Classification Process June 2021. Collection method: clinical testing. Allele origin: germline.
Comment: Not observed at significant frequency in large population cohorts (gnomAD); Nucleotide is not conserved across species and the substitution has no predicted effect on splicing; Alters the Kozak sequence, which plays a major role in the initiation of translation; Has not been previously published as pathogenic or benign to our knowledge

NM_005630.3(SLCO2A1):c.-1C>T

Gene: SLCO2A1 (solute carrier organic anion transporter family member 2A1; minus strand). Cytogenetic location: 3q22.2.
Variant type: single nucleotide variant.
Coding change: c.-1C>T on transcript NM_005630.3 (MANE Select); 1 bases upstream of the start codon, C replaced by T.
Molecular consequence: 5 prime UTR variant.
Genome position (GRCh38, 1-based): chr3:134,029,803, G>A on the plus strand (C>T on the coding strand, the complement: SLCO2A1 is on the minus strand). VCF-style: chr3-134029803-G-A. GRCh37 (hg19) VCF-style: chr3-133748647-G-A.
Identifiers: ClinVar variation 4891311 (VCV004891311.1).